The following is an entry in ClinVar:

NM_015693.4(INTU):c.198T>G (p.Phe66Leu)

Gene: INTU (inturned planar cell polarity protein; plus strand). Cytogenetic location: 4q28.1.
Variant type: single nucleotide variant.
Coding change: c.198T>G on transcript NM_015693.4 (MANE Select); coding-DNA position 198, T replaced by G.
Protein change: p.Phe66Leu; replaces phenylalanine 66 with leucine.
Molecular consequence: missense variant.
Genome position (GRCh38, 1-based): chr4:127,643,572, T>G. VCF-style: chr4-127643572-T-G. GRCh37 (hg19) VCF-style: chr4-128564727-T-G.
Other names: short protein forms F66L.
Identifiers: ClinVar variation 2963402 (VCV002963402.3), dbSNP rs768605041, ClinGen allele CA3074743.

ClinVar aggregate classification (germline): Uncertain significance (1 of 4 stars; one submission).

Allele frequency attached by ClinVar (database versions not stated): gnomAD exomes below 0.00001; ExAC 0.00002; gnomAD 0.00002; TOPMed 0.00005.
gnomAD v4.1: 7 of 1,610,560 alleles (0.00043%); highest among the groups gnomAD compares: African/African-American, 0.0094%; no homozygotes.

Submission:

Labcorp Genetics (formerly Invitae), Labcorp
Classification: Uncertain significance. Last evaluated: 2023-12-22. Review status: criteria provided, single submitter. Criteria: Invitae Variant Classification Sherloc (09022015). Collection method: clinical testing. Allele origin: germline.
Comment: This sequence change replaces phenylalanine, which is neutral and non-polar, with leucine, which is neutral and non-polar, at codon 66 of the INTU protein (p.Phe66Leu). This variant is present in population databases (rs768605041, gnomAD 0.02%). This variant has not been reported in the literature in individuals affected with INTU-related conditions. Advanced modeling of protein sequence and biophysical properties (such as structural, functional, and spatial information, amino acid conservation, physicochemical variation, residue mobility, and thermodynamic stability) has been performed at Invitae for this missense variant, however the output from this modeling did not meet the statistical confidence thresholds required to predict the impact of this variant on INTU protein function. In summary, the available evidence is currently insufficient to determine the role of this variant in disease. Therefore, it has been classified as a Variant of Uncertain Significance.